The following is an entry in ClinVar:

NM_020975.6(RET):c.1063A>T (p.Arg355Trp)

Gene: RET (ret proto-oncogene; plus strand). Cytogenetic location: 10q11.21.
Variant type: single nucleotide variant.
Coding change: c.1063A>T on transcript NM_020975.6 (MANE Select); coding-DNA position 1063, A replaced by T.
Protein change: p.Arg355Trp; replaces arginine 355 with tryptophan.
Molecular consequence: missense variant.
Genome position (GRCh38, 1-based): chr10:43,106,571, A>T. VCF-style: chr10-43106571-A-T. GRCh37 (hg19) VCF-style: chr10-43602019-A-T.
Other names: c.1063A>T, p.Arg355Trp (NM_000323.2, NM_001406743.1, NM_001406744.1 and 6 more transcripts); c.301A>T, p.Arg101Trp (NM_001355216.2); c.934A>T, p.Arg312Trp (NM_001406761.1, NM_001406762.1, NM_001406764.1 and 1 more transcripts); c.775A>T, p.Arg259Trp (NM_001406766.1, NM_001406767.1, NM_001406770.1); short protein forms R101W, R355W, R259W, R312W.
Identifiers: ClinVar variation 653698 (VCV000653698.11), dbSNP rs145402131, ClinGen allele CA031126.

ClinVar aggregate classification (germline): Uncertain significance. Review status: criteria provided, multiple submitters, no conflicts (2 of 4 stars). 2 submissions from 2 submitters: Uncertain significance (2). Last evaluated 2025-12-03.

Conditions:
Hereditary cancer-predisposing syndrome. Also called: Neoplastic Syndromes, Hereditary; Tumor predisposition; Hereditary Cancer Syndrome; Hereditary neoplastic syndrome. Identifiers: Orphanet 140162, MedGen C0027672, MeSH D009386, MONDO:0015356.
Multiple endocrine neoplasia, type 2 (MEN2). Identifiers: Orphanet 653, MedGen C4048306, MONDO:0019003. Disease mechanism: gain of function.

gnomAD v4.1: 2 of 1,613,280 alleles (0.00012%); highest among the groups gnomAD compares: Admixed American, 0.0033%; no homozygotes.

Submissions (2):

Labcorp Genetics (formerly Invitae), Labcorp
Classification: Uncertain significance for Multiple endocrine neoplasia, type 2. Last evaluated: 2025-12-03. Review status: criteria provided, single submitter. Criteria: Invitae Variant Classification Sherloc (09022015). Collection method: clinical testing. Allele origin: germline.
Comment: This sequence change replaces arginine, which is basic and polar, with tryptophan, which is neutral and slightly polar, at codon 355 of the RET protein (p.Arg355Trp). This variant is present in population databases (rs145402131, gnomAD 0.003%). This variant has not been reported in the literature in individuals affected with RET-related conditions. ClinVar contains an entry for this variant (Variation ID: 653698). An algorithm developed to predict the effect of missense changes on protein structure and function (PolyPhen-2) suggests that this variant is likely to be disruptive. In summary, the available evidence is currently insufficient to determine the role of this variant in disease. Therefore, it has been classified as a Variant of Uncertain Significance.

Ambry Genetics
Classification: Uncertain significance for Hereditary cancer-predisposing syndrome. Last evaluated: 2023-06-30. Review status: criteria provided, single submitter. Criteria: Ambry Variant Classification Scheme 2023. Collection method: clinical testing. Allele origin: germline.
Comment: The c.1063A>T variant (also known as p.R355W), located in coding exon 5 of the RET gene, results from an A to T substitution at nucleotide position 1063. The amino acid change results in arginine to tryptophan at codon 355, an amino acid with dissimilar properties. This amino acid position is not well conserved in available vertebrate species. In addition, the in silico prediction for this alteration is inconclusive. Since supporting evidence is limited at this time, the clinical significance of this alteration remains unclear.